The following is an entry in ClinVar:

ClinVar aggregate classification (germline): Uncertain significance (1 of 4 stars; one submission).

Submission:

Labcorp Genetics (formerly Invitae), Labcorp
Classification: Uncertain significance. Last evaluated: 2023-07-07. Review status: criteria provided, single submitter. Criteria: Invitae Variant Classification Sherloc (09022015). Collection method: clinical testing. Allele origin: germline.
Comment: This sequence change replaces aspartic acid, which is acidic and polar, with histidine, which is basic and polar, at codon 1356 of the FBN3 protein (p.Asp1356His). This variant is not present in population databases (gnomAD no frequency). This variant has not been reported in the literature in individuals affected with FBN3-related conditions. ClinVar contains an entry for this variant (Variation ID: 2004452). Advanced modeling of protein sequence and biophysical properties (such as structural, functional, and spatial information, amino acid conservation, physicochemical variation, residue mobility, and thermodynamic stability) performed at Invitae indicates that this missense variant is expected to disrupt FBN3 protein function. In summary, the available evidence is currently insufficient to determine the role of this variant in disease. Therefore, it has been classified as a Variant of Uncertain Significance.

NM_032447.5(FBN3):c.4066G>C (p.Asp1356His)

Gene: FBN3 (fibrillin 3; minus strand). Cytogenetic location: 19p13.2.
Variant type: single nucleotide variant.
Coding change: c.4066G>C on transcript NM_032447.5 (MANE Select); coding-DNA position 4066, G replaced by C.
Protein change: p.Asp1356His; replaces aspartic acid 1356 with histidine.
Molecular consequence: missense variant.
Genome position (GRCh38, 1-based): chr19:8,111,666, C>G on the plus strand (G>C on the coding strand, the complement: FBN3 is on the minus strand). VCF-style: chr19-8111666-C-G. GRCh37 (hg19) VCF-style: chr19-8176550-C-G.
Other names: c.4066G>C, p.Asp1356His (NM_001321431.2); short protein forms D1356H.
Identifiers: ClinVar variation 2004452 (VCV002004452.4), dbSNP rs202114965, ClinGen allele CA403740461.